The following is an entry in ClinVar:

NM_000066.4(C8B):c.1268T>C (p.Leu423Ser)

Gene: C8B (complement C8 beta chain; minus strand). Cytogenetic location: 1p32.2.
Variant type: single nucleotide variant.
Coding change: c.1268T>C on transcript NM_000066.4 (MANE Select); coding-DNA position 1268, T replaced by C.
Protein change: p.Leu423Ser; replaces leucine 423 with serine.
Molecular consequence: missense variant.
Genome position (GRCh38, 1-based): chr1:56,940,979, A>G on the plus strand (T>C on the coding strand, the complement: C8B is on the minus strand). VCF-style: chr1-56940979-A-G. GRCh37 (hg19) VCF-style: chr1-57406652-A-G.
Other names: c.1112T>C, p.Leu371Ser (NM_001278543.2); c.1082T>C, p.Leu361Ser (NM_001278544.2); c.1268T>C (NM_000066.2); short protein forms L371S, L423S, L361S.
Identifiers: ClinVar variation 1524911 (VCV001524911.4), dbSNP rs370269698, ClinGen allele CA875691.
Genomic context (GRCh38, chr1:56,940,979, plus strand): 5'-AGCTCCTGGTATGCCAGGGTGGTGATGTGCTCACTTGCCCCTCCTCGTACCAGGACCACC[A>G]AGTCCTCCACCATGGTGTCCCTCTTGTTTCTGTCTGGAATGGACACAGAGCTAGCAGGTC-3'
Protein context (NP_000057.3, residues 413-433): RNKRDTMVED[Leu423Ser]VVLVRGGASE

ClinVar aggregate classification (germline): Uncertain significance. Review status: criteria provided, multiple submitters, no conflicts (2 of 4 stars). 2 submissions from 2 submitters: Uncertain significance (2). Last evaluated 2022-11-01.

Conditions:
Inborn genetic diseases. Identifiers: MedGen C0950123, MeSH D030342.

Allele frequency attached by ClinVar (database versions not stated): gnomAD exomes 0.00001 and 0.00006; ExAC 0.00007; ESP Exome Variant Server 0.00015; gnomAD 0.00016 and 0.00017; 1000 Genomes Project 0.00020; TOPMed 0.00026; 1000 Genomes Project 30x 0.00031.

Submissions (2):

Labcorp Genetics (formerly Invitae), Labcorp
Classification: Uncertain significance. Last evaluated: 2022-11-01. Review status: criteria provided, single submitter. Criteria: Invitae Variant Classification Sherloc (09022015). Collection method: clinical testing. Allele origin: germline.
Comment: This sequence change replaces leucine, which is neutral and non-polar, with serine, which is neutral and polar, at codon 423 of the C8B protein (p.Leu423Ser). This variant is present in population databases (rs370269698, gnomAD 0.07%). This variant has not been reported in the literature in individuals affected with C8B-related conditions. ClinVar contains an entry for this variant (Variation ID: 1524911). Algorithms developed to predict the effect of missense changes on protein structure and function are either unavailable or do not agree on the potential impact of this missense change (SIFT: "Deleterious"; PolyPhen-2: "Probably Damaging"; Align-GVGD: "Class C0"). In summary, the available evidence is currently insufficient to determine the role of this variant in disease. Therefore, it has been classified as a Variant of Uncertain Significance.

Ambry Genetics
Classification: Uncertain significance for Inborn genetic diseases. Last evaluated: 2021-09-16. Review status: criteria provided, single submitter. Criteria: Ambry Variant Classification Scheme 2023. Collection method: clinical testing. Allele origin: germline.